The following is an entry in ClinVar:

ClinVar aggregate classification (germline): Uncertain significance (1 of 4 stars; one submission).

Conditions:
CREBBP-related disorder. Also called: CREBBP-related condition; CREBBP-related disorders.

Submission:

PreventionGenetics, part of Exact Sciences
Classification: Uncertain significance for CREBBP-related condition. Last evaluated: 2024-10-16. Review status: criteria provided, single submitter. Criteria: ACMG Guidelines, 2015. Collection method: clinical testing. Allele origin: germline.
Comment: The CREBBP c.4778C>A variant is predicted to result in the amino acid substitution p.Thr1593Asn. To our knowledge, this variant has not been reported in the literature or in a large population database (gnomAD), indicating this variant is rare. At this time, the clinical significance of this variant is uncertain due to the absence of conclusive functional and genetic evidence.

NM_004380.3(CREBBP):c.4778C>A (p.Thr1593Asn)

Gene: CREBBP (CREB binding lysine acetyltransferase; minus strand). Cytogenetic location: 16p13.3.
Variant type: single nucleotide variant.
Coding change: c.4778C>A on transcript NM_004380.3 (MANE Select); coding-DNA position 4778, C replaced by A.
Protein change: p.Thr1593Asn; replaces threonine 1593 with asparagine.
Molecular consequence: missense variant.
Genome position (GRCh38, 1-based): chr16:3,731,888, G>T on the plus strand (C>A on the coding strand, the complement: CREBBP is on the minus strand). VCF-style: chr16-3731888-G-T. GRCh37 (hg19) VCF-style: chr16-3781889-G-T.
Other names: c.4664C>A, p.Thr1555Asn (NM_001079846.1); short protein forms T1593N, T1555N.
Identifiers: ClinVar variation 4999927 (VCV004999927.1).
Genomic context (GRCh38, chr16:3,731,888, plus strand): 5'-ACGTTGGGCATGCTGGGCTTCTTCTTGTTGGCGCGGCTGATGCTGCTTTTGTTCTTGTTG[G>T]TTTTCTTGTTGTTCTTCTTCTTGGCATTCTTGCTGTCGCCCTGACTGCCCTGCAACAACA-3'
Protein context (NP_004371.2, residues 1583-1603): KNAKKKNNKK[Thr1593Asn]NKNKSSISRA